The following is an entry in ClinVar:

NM_001134673.4(NFIA):c.166G>A (p.Val56Met)

Gene: NFIA (nuclear factor I A; plus strand). Cytogenetic location: 1p31.3.
Variant type: single nucleotide variant.
Coding change: c.166G>A on transcript NM_001134673.4 (MANE Select); coding-DNA position 166, G replaced by A.
Protein change: p.Val56Met; replaces valine 56 with methionine.
Molecular consequence: missense variant.
Genome position (GRCh38, 1-based): chr1:61,088,287, G>A. VCF-style: chr1-61088287-G-A. GRCh37 (hg19) VCF-style: chr1-61553959-G-A.
Other names: c.142G>A, p.Val48Met (NM_001145511.2); c.301G>A, p.Val101Met (NM_001145512.2); c.166G>A, p.Val56Met (NM_005595.5); short protein forms V48M, V101M, V56M.
Identifiers: ClinVar variation 2777172 (VCV002777172.3), dbSNP rs776408635, ClinGen allele CA880917.

ClinVar aggregate classification (germline): Uncertain significance (1 of 4 stars; one submission).

Allele frequency attached by ClinVar (database versions not stated): gnomAD exomes below 0.00001; ExAC 0.00001.
gnomAD v4.1: 6 of 1,613,476 alleles (0.00037%); highest among the groups gnomAD compares: Admixed American, 0.0033%; no homozygotes.

Submission:

Labcorp Genetics (formerly Invitae), Labcorp
Classification: Uncertain significance. Last evaluated: 2025-08-15. Review status: criteria provided, single submitter. Criteria: Invitae Variant Classification Sherloc (09022015). Collection method: clinical testing. Allele origin: germline.
Comment: This sequence change replaces valine, which is neutral and non-polar, with methionine, which is neutral and non-polar, at codon 56 of the NFIA protein (p.Val56Met). This variant is present in population databases (rs776408635, gnomAD 0.006%). This variant has not been reported in the literature in individuals affected with NFIA-related conditions. ClinVar contains an entry for this variant (Variation ID: 2777172). An algorithm developed to predict the effect of missense changes on protein structure and function (PolyPhen-2) suggests that this variant is likely to be disruptive. In summary, the available evidence is currently insufficient to determine the role of this variant in disease. Therefore, it has been classified as a Variant of Uncertain Significance.